The following is an entry in ClinVar:

ClinVar aggregate classification (germline): Conflicting classifications of pathogenicity. Review status: criteria provided, conflicting classifications (1 of 4 stars). 4 submissions from 4 submitters: Uncertain significance (3); Likely benign (1). Last evaluated 2025-11-02.

Conditions:
RBM20-related disorder. Also called: RBM20-related condition.
Dilated cardiomyopathy 1DD (CMD1DD). Identifiers: Orphanet 154, MedGen C2750995, MONDO:0013168, OMIM 613172.
Cardiovascular phenotype. Identifiers: MedGen CN230736.

Allele frequency attached by ClinVar (database versions not stated): TOPMed 0.00002.
gnomAD v4.1: 48 of 1,551,218 alleles (0.0031%); highest among the groups gnomAD compares: Middle Eastern, 0.017%; no homozygotes.

Submissions (4):

Labcorp Genetics (formerly Invitae), Labcorp
Classification: Likely benign for Dilated cardiomyopathy 1DD. Last evaluated: 2025-11-02. Review status: criteria provided, single submitter. Criteria: Invitae Variant Classification Sherloc (09022015). Collection method: clinical testing. Allele origin: germline.

Ambry Genetics
Classification: Uncertain significance for Cardiovascular phenotype. Last evaluated: 2024-09-30. Review status: criteria provided, single submitter. Criteria: Ambry Variant Classification Scheme 2023. Collection method: clinical testing. Allele origin: germline.
Comment: The p.V997L variant (also known as c.2989G>T), located in coding exon 11 of the RBM20 gene, results from a G to T substitution at nucleotide position 2989. The valine at codon 997 is replaced by leucine, an amino acid with highly similar properties. This amino acid position is not well conserved in available vertebrate species, and leucine is the reference amino acid in other vertebrate species. In addition, this alteration is predicted to be tolerated by in silico analysis. Since supporting evidence is limited at this time, the clinical significance of this alteration remains unclear.

GeneDx
Classification: Uncertain significance. Last evaluated: 2023-12-01. Review status: criteria provided, single submitter. Criteria: GeneDx Variant Classification Process June 2021. Collection method: clinical testing. Allele origin: germline. Affected: yes.
Comment: Has not been previously published as pathogenic or benign to our knowledge; Not observed at significant frequency in large population cohorts (gnomAD); In silico analysis supports that this missense variant does not alter protein structure/function

PreventionGenetics, part of Exact Sciences
Classification: Uncertain significance for RBM20-related condition. Last evaluated: 2023-01-31. Review status: criteria provided, single submitter. Criteria: ACMG Guidelines, 2015. Collection method: clinical testing. Allele origin: germline.
Comment: The RBM20 c.2989G>T variant is predicted to result in the amino acid substitution p.Val997Leu. To our knowledge, this variant has not been reported in the literature. This variant is reported in 0.0052% of alleles in individuals of European (Non-Finnish) descent in gnomAD. Another variant at this codon p.Val997Met has been reported in a patient with hypertrophic cardiomyopathy and evaluated as variant of uncertain significance (Lint et al. 2019. PubMed ID: 30847666Table S2). At this time, the clinical significance of this variant is uncertain due to the absence of conclusive functional and genetic evidence.

NM_001134363.3(RBM20):c.2989G>T (p.Val997Leu)

Gene: RBM20 (RNA binding motif protein 20; plus strand). Cytogenetic location: 10q25.2.
Variant type: single nucleotide variant.
Coding change: c.2989G>T on transcript NM_001134363.3 (MANE Select); coding-DNA position 2989, G replaced by T.
Protein change: p.Val997Leu; replaces valine 997 with leucine.
Molecular consequence: missense variant.
Genome position (GRCh38, 1-based): chr10:110,821,608, G>T. VCF-style: chr10-110821608-G-T. GRCh37 (hg19) VCF-style: chr10-112581366-G-T.
Other names: short protein forms V997L.
Identifiers: ClinVar variation 657509 (VCV000657509.17), dbSNP rs372370653, ClinGen allele CA213229580.
Genomic context (GRCh38, chr10:110,821,608, plus strand): 5'-AGCCTCAAGTCACCCAGAGAACTGCCCTCTGCTTCCACAAGCTGTCCCAGTGACATGGAC[G>T]TGGAAATGCCTGGCCTAAATCTGGATGCTGAGCGGAAGCCAGCTGAAAGTGAGACAGGCC-3'
Protein context (NP_001127835.2, residues 987-1007): ASTSCPSDMD[Val997Leu]EMPGLNLDAE